The following is an entry in ClinVar:

ClinVar aggregate classification (germline): Pathogenic (1 of 4 stars; one submission).

Submission:

Labcorp Genetics (formerly Invitae), Labcorp
Classification: Pathogenic. Last evaluated: 2023-11-07. Review status: criteria provided, single submitter. Criteria: Invitae Variant Classification Sherloc (09022015). Collection method: clinical testing. Allele origin: germline.
Comment: This sequence change creates a premature translational stop signal (p.Lys1669Aspfs*9) in the CCDC88A gene. It is expected to result in an absent or disrupted protein product. Loss-of-function variants in CCDC88A are known to be pathogenic (PMID: 26917597, 30392057). This variant is not present in population databases (gnomAD no frequency). This variant has not been reported in the literature in individuals affected with CCDC88A-related conditions. For these reasons, this variant has been classified as Pathogenic.

Literature cited by the submitters: PubMed 26917597; PubMed 30392057.

NM_001365480.1(CCDC88A):c.5008_5009del (p.Lys1670fs)

Gene: CCDC88A (coiled-coil and HOOK domain protein 88A; minus strand). Cytogenetic location: 2p16.1.
Variant type: Deletion.
Coding change: c.5008_5009del on transcript NM_001365480.1 (MANE Select); coding-DNA positions 5008 to 5009, 2 bases deleted (AA; older notation c.5008_5009delAA).
Protein change: p.Lys1670fs; shifts the reading frame from lysine 1670.
Molecular consequence: frameshift variant.
Genome position (GRCh38, 1-based): chr2:55,296,340-55,296,341, TT deleted on the plus strand (AA on the coding strand, the reverse complement: CCDC88A is on the minus strand). VCF-style (leftmost placement, unchanged base first): chr2-55296339-CTT-C. GRCh37 (hg19) VCF-style: chr2-55523475-CTT-C.
Other names: c.5005_5006del, p.Lys1669fs (NM_001135597.2, NM_001254943.2); c.4924_4925del, p.Lys1642fs (NM_018084.5); short protein forms K1642fs, K1669fs, K1670fs.
Identifiers: ClinVar variation 2693952 (VCV002693952.3), dbSNP rs2529535269, ClinGen allele CA2697548169.